The following is an entry in ClinVar:

ClinVar aggregate classification (germline): Uncertain significance. Review status: criteria provided, multiple submitters, no conflicts (2 of 4 stars). 2 submissions from 2 submitters: Uncertain significance (2). Last evaluated 2025-07-02.

Conditions:
Neuroblastoma, susceptibility to, 3. Also called: ALK-Related Neuroblastic Tumor Susceptibility. Identifiers: Orphanet 635, MedGen C2751681, MONDO:0013083, OMIM 613014.
Hereditary cancer-predisposing syndrome. Also called: Tumor predisposition; Hereditary Cancer Syndrome; Hereditary neoplastic syndrome; Neoplastic Syndromes, Hereditary. Identifiers: Orphanet 140162, MedGen C0027672, MeSH D009386, MONDO:0015356.

gnomAD v4.1: 2 of 1,610,826 alleles (0.00012%); highest among the groups gnomAD compares: South Asian, 0.0011%; no homozygotes.

Submissions (2):

Ambry Genetics
Classification: Uncertain significance for Hereditary cancer-predisposing syndrome. Last evaluated: 2025-07-02. Review status: criteria provided, single submitter. Criteria: Ambry Variant Classification Scheme 2023. Collection method: clinical testing. Allele origin: germline.
Comment: The c.4164+3A>G intronic variant results from an A to G substitution 3 nucleotides after coding exon 28 in the ALK gene. This nucleotide position is well conserved in available vertebrate species. In silico splice site analysis predicts that this alteration will not have any significant effect on splicing. Based on the available evidence, the clinical significance of this variant remains unclear.

Fulgent Genetics
Classification: Uncertain significance for Neuroblastoma, susceptibility to, 3. Last evaluated: 2024-01-11. Review status: criteria provided, single submitter. Criteria: ACMG Guidelines, 2015. Collection method: clinical testing. Allele origin: germline.

NM_004304.5(ALK):c.4164+3A>G

Gene: ALK (ALK receptor tyrosine kinase; minus strand). Cytogenetic location: 2p23.2.
Variant type: single nucleotide variant.
Coding change: c.4164+3A>G on transcript NM_004304.5 (MANE Select); 3 bases into the intron after coding-DNA position 4164, A replaced by G.
Molecular consequence: intron variant.
Genome position (GRCh38, 1-based): chr2:29,196,767, T>C on the plus strand (A>G on the coding strand, the complement: ALK is on the minus strand). VCF-style: chr2-29196767-T-C. GRCh37 (hg19) VCF-style: chr2-29419633-T-C.
Other names: c.960+3A>G (NM_001353765.2); c.4164+3A>G (NM_004304.4).
Identifiers: ClinVar variation 3586397 (VCV003586397.2).